The following is an entry in ClinVar:

ClinVar aggregate classification (germline): Likely benign. Review status: criteria provided, multiple submitters, no conflicts (2 of 4 stars). 3 submissions from 3 submitters: Likely benign (2). 1 of the submissions does not count toward it. Last evaluated 2025-08-11.

Conditions:
ZNF469-related disorder. Also called: ZNF469-related condition.
Cardiovascular phenotype. Identifiers: MedGen CN230736.

gnomAD v4.1: 24 of 1,550,028 alleles (0.0015%); highest among the groups gnomAD compares: East Asian, 0.0073%; no homozygotes.

Submissions (3):

Labcorp Genetics (formerly Invitae), Labcorp
Classification: Likely benign. Last evaluated: 2025-08-11. Review status: criteria provided, single submitter. Criteria: Invitae Variant Classification Sherloc (09022015). Collection method: clinical testing. Allele origin: germline.

Ambry Genetics
Classification: Likely benign for Cardiovascular phenotype. Last evaluated: 2022-10-11. Review status: criteria provided, single submitter. Criteria: Ambry Variant Classification Scheme 2023. Collection method: clinical testing. Allele origin: germline.

PreventionGenetics, part of Exact Sciences
Classification: Likely benign for ZNF469-related condition. Last evaluated: 2022-08-10. Review status: no assertion criteria provided. Collection method: clinical testing. Allele origin: germline. Not counted in ClinVar's aggregate classification.
Comment: This variant is classified as likely benign based on ACMG/AMP sequence variant interpretation guidelines (Richards et al. 2015 PMID: 25741868, with internal and published modifications).

NM_001367624.2(ZNF469):c.8598C>T (p.Gly2866=)

Gene: ZNF469 (zinc finger protein 469; plus strand). Cytogenetic location: 16q24.2.
Variant type: single nucleotide variant.
Coding change: c.8598C>T on transcript NM_001367624.2 (MANE Select); coding-DNA position 8598, C replaced by T.
Protein change: p.Gly2866=; no amino-acid change (glycine 2866 retained).
Molecular consequence: synonymous variant.
Genome position (GRCh38, 1-based): chr16:88,436,068, C>T. VCF-style: chr16-88436068-C-T. GRCh37 (hg19) VCF-style: chr16-88502476-C-T.
Other names: NM_001127464.1:c.8514C>T; NM_001127464.2:c.8514C>T.
Identifiers: ClinVar variation 1763698 (VCV001763698.9), dbSNP rs994143171, ClinGen allele CA286384273.